The following is an entry in ClinVar:

ClinVar aggregate classification (germline): Uncertain significance (1 of 4 stars; one submission).

Conditions:
Hereditary cancer-predisposing syndrome. Also called: Neoplastic Syndromes, Hereditary; Tumor predisposition; Hereditary Cancer Syndrome; Hereditary neoplastic syndrome. Identifiers: Orphanet 140162, MedGen C0027672, MeSH D009386, MONDO:0015356.

Submission:

Ambry Genetics
Classification: Uncertain significance for Hereditary cancer-predisposing syndrome. Last evaluated: 2025-12-11. Review status: criteria provided, single submitter. Criteria: Ambry Variant Classification Scheme 2023. Collection method: clinical testing. Allele origin: germline.
Comment: The p.A339T variant (also known as c.1015G>A), located in coding exon 7 of the FH gene, results from a G to A substitution at nucleotide position 1015. The alanine at codon 339 is replaced by threonine, an amino acid with similar properties. This amino acid position is highly conserved in available vertebrate species. In addition, this alteration is predicted to be deleterious by in silico analysis. Based on the available evidence, the clinical significance of this variant remains unclear.

NM_000143.4(FH):c.1015G>A (p.Ala339Thr)

Gene: FH (fumarate hydratase; minus strand). Cytogenetic location: 1q43.
Variant type: single nucleotide variant.
Coding change: c.1015G>A on transcript NM_000143.4 (MANE Select); coding-DNA position 1015, G replaced by A.
Protein change: p.Ala339Thr; replaces alanine 339 with threonine.
Molecular consequence: missense variant.
Genome position (GRCh38, 1-based): chr1:241,504,135, C>T on the plus strand (G>A on the coding strand, the complement: FH is on the minus strand). VCF-style: chr1-241504135-C-T. GRCh37 (hg19) VCF-style: chr1-241667435-C-T.
Other names: short protein forms A339T.
Identifiers: ClinVar variation 4642280 (VCV004642280.1).
Genomic context (GRCh38, chr1:241,504,135, plus strand): 5'-GCAAGATCAATTCTCCCAGACCTGACCGAGGACCAGAACCCAAAAATCGAATATCATTTG[C>T]TATCTTCATCAGACTGCAGGCAGTAGTGTTCATGGCTCCACTGAGCTCAACCAGAGCGTC-3'
Protein context (NP_000134.2, residues 329-349): NTTACSLMKI[Ala339Thr]NDIRFLGSGP